The following is an entry in ClinVar:

NM_002439.5(MSH3):c.2470G>A (p.Ala824Thr)

Gene: MSH3 (mutS homolog 3; plus strand). Cytogenetic location: 5q14.1.
Variant type: single nucleotide variant.
Coding change: c.2470G>A on transcript NM_002439.5 (MANE Select); coding-DNA position 2470, G replaced by A.
Protein change: p.Ala824Thr; replaces alanine 824 with threonine.
Molecular consequence: missense variant.
Genome position (GRCh38, 1-based): chr5:80,787,599, G>A. VCF-style: chr5-80787599-G-A. GRCh37 (hg19) VCF-style: chr5-80083418-G-A.
Other names: c.2470G>A (NM_002439.3); short protein forms A824T.
Identifiers: ClinVar variation 1057614 (VCV001057614.11), dbSNP rs1744531899, ClinGen allele CA360283114.

ClinVar aggregate classification (germline): Uncertain significance. Review status: criteria provided, multiple submitters, no conflicts (2 of 4 stars). 2 submissions from 2 submitters: Uncertain significance (2). Last evaluated 2025-09-03.

Conditions:
Hereditary cancer-predisposing syndrome. Also called: Hereditary Cancer Syndrome; Tumor predisposition; Hereditary neoplastic syndrome; Neoplastic Syndromes, Hereditary. Identifiers: Orphanet 140162, MedGen C0027672, MeSH D009386, MONDO:0015356.

Submissions (2):

Labcorp Genetics (formerly Invitae), Labcorp
Classification: Uncertain significance. Last evaluated: 2025-09-03. Review status: criteria provided, single submitter. Criteria: Invitae Variant Classification Sherloc (09022015). Collection method: clinical testing. Allele origin: germline.
Comment: This sequence change replaces alanine, which is neutral and non-polar, with threonine, which is neutral and polar, at codon 824 of the MSH3 protein (p.Ala824Thr). This variant is not present in population databases (gnomAD no frequency). This variant has not been reported in the literature in individuals affected with MSH3-related conditions. ClinVar contains an entry for this variant (Variation ID: 1057614). An algorithm developed to predict the effect of missense changes on protein structure and function (PolyPhen-2) suggests that this variant is likely to be disruptive. In summary, the available evidence is currently insufficient to determine the role of this variant in disease. Therefore, it has been classified as a Variant of Uncertain Significance.

Ambry Genetics
Classification: Uncertain significance for Hereditary cancer-predisposing syndrome. Last evaluated: 2024-03-13. Review status: criteria provided, single submitter. Criteria: Ambry Variant Classification Scheme 2023. Collection method: clinical testing. Allele origin: germline.
Comment: The p.A824T variant (also known as c.2470G>A), located in coding exon 18 of the MSH3 gene, results from a G to A substitution at nucleotide position 2470. The alanine at codon 824 is replaced by threonine, an amino acid with similar properties. This amino acid position is conserved. In addition, the in silico prediction for this alteration is inconclusive. Based on the available evidence, the clinical significance of this alteration remains unclear.